The following is an entry in ClinVar:

NM_014244.5(ADAMTS2):c.2959-1G>A

Gene: ADAMTS2 (ADAM metallopeptidase with thrombospondin type 1 motif 2; minus strand). Cytogenetic location: 5q35.3.
Variant type: single nucleotide variant.
Coding change: c.2959-1G>A on transcript NM_014244.5 (MANE Select); the canonical splice acceptor site of the intron before coding-DNA position 2959, G replaced by A.
Molecular consequence: splice acceptor variant.
Genome position (GRCh38, 1-based): chr5:179,122,774, C>T on the plus strand (G>A on the coding strand, the complement: ADAMTS2 is on the minus strand). VCF-style: chr5-179122774-C-T. GRCh37 (hg19) VCF-style: chr5-178549775-C-T.
Identifiers: ClinVar variation 3068384 (VCV003068384.1), dbSNP rs2480148505, ClinGen allele CA362418924.
Genomic context (GRCh38, chr5:179,122,774, plus strand): 5'-GTCCGCGGTGCGGCAGAGCACTGGCCGCTCCTGGGTGCCGTTGCCACAGGTTACTGAGCA[C>T]TGCAGGGGGAGAGTCGCCAGGCAGGGTTCACCTCCCACACAGGGCCCGCACTGGCAGAGC-3'

ClinVar aggregate classification (germline): Likely pathogenic (1 of 4 stars; one submission).

Conditions:
Ehlers-Danlos syndrome, dermatosparaxis type. Also called: Ehlers-Danlos syndrome, type VII, autosomal recessive; Dermatosparaxis; EDS VIIC. Identifiers: Orphanet 1901, MedGen C2700425, MONDO:0009161, OMIM 225410.

Submission:

MVZ Medizinische Genetik Mainz
Classification: Likely pathogenic for Ehlers-Danlos syndrome, dermatosparaxis type. Last evaluated: 2021-08-25. Review status: criteria provided, single submitter. Criteria: UK Practice Guidelines For Variant Classification V4 01 2020. Collection method: clinical testing. Allele origin: germline. Inheritance: Autosomal recessive inheritance. Affected: yes. Observed: 1 variant allele.
Comment: ACMG Criteria: PVS1, PMS2_SUP